The following is an entry in ClinVar:

ClinVar aggregate classification (germline): Uncertain significance (1 of 4 stars; one submission).

Conditions:
Hearing loss, autosomal dominant 80. Also called: DEAFNESS, AUTOSOMAL DOMINANT 80. Identifiers: MedGen C5543289, MONDO:0030998, OMIM 619274.

Allele frequency attached by ClinVar (database versions not stated): gnomAD exomes below 0.00001.
gnomAD v4.1: 2 of 1,551,066 alleles (0.00013%); highest among the groups gnomAD compares: Non-Finnish European, 0.00017%; no homozygotes.

Submission:

Molecular Genetics, Royal Melbourne Hospital
Classification: Uncertain significance for Hearing loss, autosomal dominant 80. Last evaluated: 2024-02-05. Review status: criteria provided, single submitter. Criteria: ACMG Guidelines, 2015. Collection method: clinical testing. Allele origin: germline. Inheritance: Autosomal dominant inheritance.
Comment: This sequence change in GREB1L is predicted to replace serine with phenylalanine at codon 228, p.(Ser228Phe). The serine residue is moderately conserved (100 vertebrates, Multiz Alignments), and is located in a region of the GREB1 N-terminal domain that is highly intolerant to missense variation (amino acids 227-229). There is a large physicochemical difference between serine and phenylalanine. The highest population minor allele frequency in the population database gnomAD v4.0 is 0.0002% (2/1,078,756 alleles) in the European (non-Finnish) population, which is consistent with autosomal dominant deafness. To our knowledge, this variant has not been previously reported in the relevant scientific literature or databases. Computational evidence predicts a benign effect for the missense substitution (REVEL = 0.147). Based on the classification scheme RMH Modified ACMG/AMP Guidelines v1.6.1, this variant is classified as a VARIANT OF UNCERTAIN SIGNIFICANCE. Following criteria are met: PM1, PM2_Supporting, BP4.

NM_001142966.3(GREB1L):c.683C>T (p.Ser228Phe)

Genes: GREB1L (GREB1 like retinoic acid receptor coactivator; plus strand), GREB1L-AS1 (GREB1L antisense RNA 1; minus strand). Cytogenetic location: 18q11.1.
Variant type: single nucleotide variant.
Coding change: c.683C>T on transcript NM_001142966.3 (MANE Select); coding-DNA position 683, C replaced by T.
Protein change: p.Ser228Phe; replaces serine 228 with phenylalanine.
Molecular consequence: missense variant.
Genome position (GRCh38, 1-based): chr18:21,401,300, C>T. VCF-style: chr18-21401300-C-T. GRCh37 (hg19) VCF-style: chr18-18981261-C-T.
Other names: c.683C>T, p.Ser228Phe (NM_001410867.1, NM_001410868.1); short protein forms S228F.
Identifiers: ClinVar variation 3068600 (VCV003068600.1), dbSNP rs2510948451, ClinGen allele CA401796995.